The following is an entry in ClinVar:

NM_025243.4(SLC19A3):c.931G>T (p.Asp311Tyr)

Gene: SLC19A3 (solute carrier family 19 member 3; minus strand). Cytogenetic location: 2q36.3.
Variant type: single nucleotide variant.
Coding change: c.931G>T on transcript NM_025243.4 (MANE Select); coding-DNA position 931, G replaced by T.
Protein change: p.Asp311Tyr; replaces aspartic acid 311 with tyrosine.
Molecular consequence: missense variant.
Genome position (GRCh38, 1-based): chr2:227,698,784, C>A on the plus strand (G>T on the coding strand, the complement: SLC19A3 is on the minus strand). VCF-style: chr2-227698784-C-A. GRCh37 (hg19) VCF-style: chr2-228563500-C-A.
Other names: c.931G>T, p.Asp311Tyr (NM_001371411.1, NM_001371412.1); c.919G>T, p.Asp307Tyr (NM_001371413.1, NM_001371414.1); short protein forms D307Y, D311Y.
Identifiers: ClinVar variation 1481366 (VCV001481366.6), dbSNP rs1257911380, ClinGen allele CA350876148.
Genomic context (GRCh38, chr2:227,698,784, plus strand): 5'-ACATTTGCTTACCTCCAAAGGTTGCAATAGCTTCTACGGCCCCATTATAGATGGAAGAAT[C>A]TTGGGATGGCGCCTTGTAATCCCACAGGATTTGAACATAGTTCAAAACCTGGTTAAAACC-3'
Protein context (NP_079519.1, residues 301-321): ILWDYKAPSQ[Asp311Tyr]SSIYNGAVEA

ClinVar aggregate classification (germline): Uncertain significance (1 of 4 stars; one submission).

Conditions:
Biotin-responsive basal ganglia disease (BTBGD). Also called: Thiamine Transporter-2 Deficiency; Thiamine metabolism dysfunction syndrome type 2; THIAMINE METABOLISM DYSFUNCTION SYNDROME 2 (BIOTIN- AND THIAMINE-RESPONSIVE TYPE); Thiamine metabolism dysfunction syndrome 2 (biotin- or thiamine-responsive encephalopathy type 2); thiamine-responsive encephalopathy. Identifiers: Orphanet 199348, Orphanet 65284, MedGen C1843807, MONDO:0011841, OMIM 607483.

Allele frequency attached by ClinVar (database versions not stated): gnomAD exomes below 0.00001; TOPMed below 0.00001.
gnomAD v4.1: 1 of 1,614,156 alleles (0.000062%); highest among the groups gnomAD compares: African/African-American, 0.0013%; no homozygotes.

Submission:

Labcorp Genetics (formerly Invitae), Labcorp
Classification: Uncertain significance for Biotin-responsive basal ganglia disease. Last evaluated: 2021-09-19. Review status: criteria provided, single submitter. Criteria: Invitae Variant Classification Sherloc (09022015). Collection method: clinical testing. Allele origin: germline.
Comment: This sequence change replaces aspartic acid with tyrosine at codon 311 of the SLC19A3 protein (p.Asp311Tyr). The aspartic acid residue is weakly conserved and there is a large physicochemical difference between aspartic acid and tyrosine. This variant is not present in population databases (ExAC no frequency). This variant has not been reported in the literature in individuals affected with SLC19A3-related conditions. Advanced modeling of protein sequence and biophysical properties (such as structural, functional, and spatial information, amino acid conservation, physicochemical variation, residue mobility, and thermodynamic stability) performed at Invitae indicates that this missense variant is not expected to disrupt SLC19A3 protein function. In summary, the available evidence is currently insufficient to determine the role of this variant in disease. Therefore, it has been classified as a Variant of Uncertain Significance.